The following is an entry in ClinVar:

ClinVar aggregate classification (germline): not provided (0 of 4 stars; one submission).

Allele frequency attached by ClinVar (database versions not stated): gnomAD 0.00001 and 0.00002; ExAC 0.00002; TOPMed 0.00002; gnomAD exomes 0.00003 and 0.00004.
gnomAD v4.1: 55 of 1,599,406 alleles (0.0034%); highest among the groups gnomAD compares: Middle Eastern, 0.016%; 1 homozygote.

Submission:

ITMI
No classification provided. Condition: AllHighlyPenetrant. Last evaluated: 2013-09-19. Review status: no classification provided. Collection method: reference population. Allele origin: germline.
Comment: Please see associated publication for description of ethnicities

Literature cited by the submitters: PubMed 24728327.

NM_003820.4(TNFRSF14):c.405C>T (p.Cys135=)

Gene: TNFRSF14 (TNF receptor superfamily member 14; plus strand). Cytogenetic location: 1p36.32.
Variant type: single nucleotide variant.
Coding change: c.405C>T on transcript NM_003820.4 (MANE Select); coding-DNA position 405, C replaced by T.
Protein change: p.Cys135=; no amino-acid change (cysteine 135 retained).
Molecular consequence: synonymous variant.
Genome position (GRCh38, 1-based): chr1:2,559,923, C>T. VCF-style: chr1-2559923-C-T. GRCh37 (hg19) VCF-style: chr1-2491362-C-T.
Other names: c.405C>T, p.Cys135= (NM_001297605.2).
Identifiers: ClinVar variation 135351 (VCV000135351.1), dbSNP rs587778716, ClinGen allele CA162451.
Genomic context (GRCh38, chr1:2,559,923, plus strand): 5'-GAACGCCGTGTGTGGCTGCAGCCCAGGCCACTTCTGCATCGTCCAGGACGGGGACCACTG[C>T]GCCGCGTGCCGCGCTTACGCCACCTCCAGCCCGGGCCAGAGGGTGCAGAAGGGAGGTAAG-3'
Protein context (NP_003811.2, residues 125-145): HFCIVQDGDH[Cys135=]AACRAYATSS